The following is an entry in ClinVar:

ClinVar aggregate classification (germline): Uncertain significance (1 of 4 stars; one submission).

Conditions:
Spastic paraplegia. Identifiers: MedGen C0037772, HP:0001258.

gnomAD v4.1: 6 of 1,613,570 alleles (0.00037%); highest among the groups gnomAD compares: Non-Finnish European, 0.00051%; no homozygotes.

Submission:

Labcorp Genetics (formerly Invitae), Labcorp
Classification: Uncertain significance for Spastic paraplegia. Last evaluated: 2025-03-26. Review status: criteria provided, single submitter. Criteria: Invitae Variant Classification Sherloc (09022015). Collection method: clinical testing. Allele origin: germline.
Comment: This sequence change replaces glutamic acid, which is acidic and polar, with glycine, which is neutral and non-polar, at codon 380 of the KIF5A protein (p.Glu380Gly). This variant is not present in population databases (gnomAD no frequency). This variant has not been reported in the literature in individuals affected with KIF5A-related conditions. Invitae Evidence Modeling of protein sequence and biophysical properties (such as structural, functional, and spatial information, amino acid conservation, physicochemical variation, residue mobility, and thermodynamic stability) has been performed for this missense variant. However, the output from this modeling did not meet the statistical confidence thresholds required to predict the impact of this variant on KIF5A protein function. In summary, the available evidence is currently insufficient to determine the role of this variant in disease. Therefore, it has been classified as a Variant of Uncertain Significance.

NM_004984.4(KIF5A):c.1139A>G (p.Glu380Gly)

Gene: KIF5A (kinesin family member 5A; plus strand). Cytogenetic location: 12q13.3.
Variant type: single nucleotide variant.
Coding change: c.1139A>G on transcript NM_004984.4 (MANE Select); coding-DNA position 1139, A replaced by G.
Protein change: p.Glu380Gly; replaces glutamic acid 380 with glycine.
Molecular consequence: missense variant.
Genome position (GRCh38, 1-based): chr12:57,570,008, A>G. VCF-style: chr12-57570008-A-G. GRCh37 (hg19) VCF-style: chr12-57963791-A-G.
Other names: c.872A>G, p.Glu291Gly (NM_001354705.2); short protein forms E291G, E380G.
Identifiers: ClinVar variation 4732820 (VCV004732820.1).